The following is an entry in ClinVar:

NM_003872.3(NRP2):c.2757C>T (p.His919=)

Gene: NRP2 (neuropilin 2; plus strand). Cytogenetic location: 2q33.3.
Variant type: single nucleotide variant.
Coding change: c.2757C>T on transcript NM_003872.3 (MANE Select); coding-DNA position 2757, C replaced by T.
Protein change: p.His919=; no amino-acid change (histidine 919 retained).
Molecular consequence: synonymous variant.
Genome position (GRCh38, 1-based): chr2:205,795,034, C>T. VCF-style: chr2-205795034-C-T. GRCh37 (hg19) VCF-style: chr2-206659758-C-T.
Other names: c.2772C>T, p.His924= (NM_201266.2); c.2706C>T, p.His902= (NM_201279.2).
Identifiers: ClinVar variation 3349017 (VCV003349017.1).

ClinVar aggregate classification (germline): Likely benign (0 of 4 stars; one submission).

Conditions:
NRP2-related disorder. Also called: NRP2-related condition.

gnomAD v4.1: 4 of 1,614,008 alleles (0.00025%); highest among the groups gnomAD compares: African/African-American, 0.004%; no homozygotes.

Submission:

PreventionGenetics, part of Exact Sciences
Classification: Likely benign for NRP2-related condition. Last evaluated: 2023-12-14. Review status: no assertion criteria provided. Collection method: clinical testing. Allele origin: germline.
Comment: This variant is classified as likely benign based on ACMG/AMP sequence variant interpretation guidelines (Richards et al. 2015 PMID: 25741868, with internal and published modifications).